The following is an entry in ClinVar:

ClinVar aggregate classification (germline): Uncertain significance. Review status: criteria provided, multiple submitters, no conflicts (2 of 4 stars). 2 submissions from 2 submitters: Uncertain significance (2). Last evaluated 2024-10-16.

Allele frequency attached by ClinVar (database versions not stated): ExAC 0.00002; TOPMed 0.00003; gnomAD 0.00005; ESP Exome Variant Server 0.00008; gnomAD exomes 0.00010.
gnomAD v4.1: 156 of 1,614,030 alleles (0.0097%); highest among the groups gnomAD compares: Middle Eastern, 0.016%; no homozygotes.

Submissions (2):

Ambry Genetics
Classification: Uncertain significance. Last evaluated: 2024-10-16. Review status: criteria provided, single submitter. Criteria: Ambry Variant Classification Scheme 2023. Collection method: clinical testing. Allele origin: germline.

Labcorp Genetics (formerly Invitae), Labcorp
Classification: Uncertain significance. Last evaluated: 2023-12-02. Review status: criteria provided, single submitter. Criteria: Invitae Variant Classification Sherloc (09022015). Collection method: clinical testing. Allele origin: germline.
Comment: This sequence change replaces arginine, which is basic and polar, with histidine, which is basic and polar, at codon 914 of the ADCY10 protein (p.Arg914His). This variant is present in population databases (rs150597840, gnomAD 0.005%). This variant has not been reported in the literature in individuals affected with ADCY10-related conditions. Algorithms developed to predict the effect of missense changes on protein structure and function output the following: SIFT: "Not Available"; PolyPhen-2: "Benign"; Align-GVGD: "Not Available". The histidine amino acid residue is found in multiple mammalian species, which suggests that this missense change does not adversely affect protein function. In summary, the available evidence is currently insufficient to determine the role of this variant in disease. Therefore, it has been classified as a Variant of Uncertain Significance.

NM_018417.6(ADCY10):c.2741G>A (p.Arg914His)

Gene: ADCY10 (adenylate cyclase 10; minus strand). Cytogenetic location: 1q24.2.
Variant type: single nucleotide variant.
Coding change: c.2741G>A on transcript NM_018417.6 (MANE Select); coding-DNA position 2741, G replaced by A.
Protein change: p.Arg914His; replaces arginine 914 with histidine.
Molecular consequence: missense variant.
Genome position (GRCh38, 1-based): chr1:167,845,829, C>T on the plus strand (G>A on the coding strand, the complement: ADCY10 is on the minus strand). VCF-style: chr1-167845829-C-T. GRCh37 (hg19) VCF-style: chr1-167815067-C-T.
Other names: c.2741G>A (NM_018417.4); c.2282G>A, p.Arg761His (NM_001167749.3); c.2465G>A, p.Arg822His (NM_001297772.2); short protein forms R822H, R914H, R761H.
Identifiers: ClinVar variation 2847740 (VCV002847740.4), dbSNP rs150597840, ClinGen allele CA1227558.
Genomic context (GRCh38, chr1:167,845,829, plus strand): 5'-TGCATCATAGGGTTACAGAATCGAATCCTGTGGCACTCGATCACCTCATTCTCCAGTTCA[C>T]GAAGCTGTTCCTCTTCACCGTGATCTGGAGAGAGCAAAAAGGGTTTTTCAGCCAGGCAGT-3'
Protein context (NP_060887.2, residues 904-924): GMDHGEEEQL[Arg914His]ELENEVIECH